The following is an entry in ClinVar:

ClinVar aggregate classification (germline): Likely benign (1 of 4 stars; one submission).

Allele frequency attached by ClinVar (database versions not stated): gnomAD 0.00015; ExAC 0.00025; TOPMed 0.00005; ESP Exome Variant Server 0.00008; gnomAD exomes 0.00010.
gnomAD v4.1: 176 of 1,611,820 alleles (0.011%); highest among the groups gnomAD compares: Non-Finnish European, 0.0091%; no homozygotes.

Submission:

CeGaT Center for Human Genetics Tuebingen
Classification: Likely benign. Last evaluated: 2023-01-01. Review status: criteria provided, single submitter. Criteria: CeGaT Center For Human Genetics Tuebingen Variant Classification Criteria Version 2. Collection method: clinical testing. Allele origin: germline. Affected: yes. Observed: 1 variant allele.
Comment: CSMD1: BP4, BP7

NM_033225.6(CSMD1):c.10197G>A (p.Leu3399=)

Genes: CSMD1 (CUB and Sushi multiple domains 1; minus strand), LOC105377785 (uncharacterized LOC105377785; plus strand). Cytogenetic location: 8p23.2.
Variant type: single nucleotide variant.
Coding change: c.10197G>A on transcript NM_033225.6 (MANE Select); coding-DNA position 10197, G replaced by A.
Protein change: p.Leu3399=; no amino-acid change (leucine 3399 retained).
Molecular consequence: synonymous variant.
Genome position (GRCh38, 1-based): chr8:2,951,118, C>T on the plus strand (G>A on the coding strand, the complement: CSMD1 is on the minus strand). VCF-style: chr8-2951118-C-T. GRCh37 (hg19) VCF-style: chr8-2808640-C-T.
Identifiers: ClinVar variation 2658315 (VCV002658315.24), dbSNP rs200825245, ClinGen allele CA4604866.
Genomic context (GRCh38, chr8:2,951,118, plus strand): 5'-GATAACAGGTCTATTTCTGCTCACACCATGCGTTTAGTGAATTCTTCGGGACCTACCTGT[C>T]AACTTCAGCTCCACTGGCGAGGCTTCGCTGAAGGTGGCATTCACCTTACTGCTTGTTGCA-3'
Protein context (NP_150094.5, residues 3389-3409): FSEASPVELK[Leu3399=]TGIYKKEEAH